The following is an entry in ClinVar:

NM_003119.4(SPG7):c.859T>C (p.Phe287Leu)

Gene: SPG7 (SPG7 matrix AAA peptidase subunit, paraplegin; plus strand). Cytogenetic location: 16q24.3.
Variant type: single nucleotide variant.
Coding change: c.859T>C on transcript NM_003119.4 (MANE Select); coding-DNA position 859, T replaced by C.
Protein change: p.Phe287Leu; replaces phenylalanine 287 with leucine.
Molecular consequence: missense variant.
Genome position (GRCh38, 1-based): chr16:89,529,577, T>C. VCF-style: chr16-89529577-T-C. GRCh37 (hg19) VCF-style: chr16-89595985-T-C.
Other names: c.859T>C, p.Phe287Leu (NM_001363850.1, NM_199367.3); short protein forms F287L.
Identifiers: ClinVar variation 3343516 (VCV003343516.1).
Genomic context (GRCh38, chr16:89,529,577, plus strand): 5'-ATCCTGTGGTATGTTTTCCGTCTGGCCGGGATGACTGGAAGGGAAGGTGGATTCAGTGCT[T>C]TTGTAAGTTCTGTAAATCAGAGCTCTCTGAACTCTTTCTGGTTTGTGTTTGCTGAATACT-3'
Protein context (NP_003110.1, residues 277-297): MTGREGGFSA[Phe287Leu]NQLKMARFTI

ClinVar aggregate classification (germline): Uncertain significance (1 of 4 stars; one submission).

gnomAD v4.1: 1 of 1,607,926 alleles (0.000062%); no homozygotes.

Submission:

GeneDx
Classification: Uncertain significance. Last evaluated: 2023-05-16. Review status: criteria provided, single submitter. Criteria: GeneDx Variant Classification Process June 2021. Collection method: clinical testing. Allele origin: germline. Affected: yes.
Comment: Not observed at significant frequency in large population cohorts (gnomAD); In silico analysis supports that this missense variant has a deleterious effect on protein structure/function; Has not been previously published as pathogenic or benign to our knowledge